The following is an entry in ClinVar:

ClinVar aggregate classification (germline): Pathogenic (1 of 4 stars; one submission).

Conditions:
Stuve-Wiedemann syndrome 2. Also called: Stüve-Wiedemann syndrome 2. Identifiers: MedGen C5676919, MONDO:0030756, OMIM 619751.

Submission:

Department of Human Genetics, University Hospital Bern, Inselspital
Classification: Pathogenic for Stuve-Wiedemann syndrome 2. Last evaluated: 2025-07-01. Review status: criteria provided, single submitter. Criteria: ACMG Guidelines, 2015. Collection method: clinical testing. Allele origin: germline. Inheritance: Autosomal recessive inheritance. Affected: yes. Observed: 1 homozygote.
Comment: Variant p.(Ser375*) results in a premature stop codon and is therefore predicted to result in nonsense-mediated mRNA-decay. Variant is absent from population databases. In other cases with the same syndrome also bi-allelic truncating/loss-of-function variants were described. In summary, the p.(Ser375*) variant meets ACMG criteria to be classified as pathogenic.

NM_002184.4(IL6ST):c.1124C>G (p.Ser375Ter)

Gene: IL6ST (interleukin 6 cytokine family signal transducer; minus strand). Cytogenetic location: 5q11.2.
Variant type: single nucleotide variant.
Coding change: c.1124C>G on transcript NM_002184.4 (MANE Select); coding-DNA position 1124, C replaced by G.
Protein change: p.Ser375Ter; replaces serine 375 with a stop codon.
Molecular consequence: nonsense. On other transcripts: 3 prime UTR variant (1), non-coding transcript variant (2).
Genome position (GRCh38, 1-based): chr5:55,956,168, G>C on the plus strand (C>G on the coding strand, the complement: IL6ST is on the minus strand). VCF-style: chr5-55956168-G-C. GRCh37 (hg19) VCF-style: chr5-55251996-G-C.
Other names: c.1124C>G, p.Ser375Ter (NM_001190981.2, NM_001364275.2); c.914C>G, p.Ser305Ter (NM_001364276.2); c.257C>G, p.Ser86Ter (NM_001364277.2); c.221C>G, p.Ser74Ter (NM_001364278.2); c.128C>G, p.Ser43Ter (NM_001364279.2); c.*51C>G (NM_175767.3); short protein forms S305*, S375*, S43*, S74*, S86*.
Identifiers: ClinVar variation 4057198 (VCV004057198.1).
Genomic context (GRCh38, chr5:55,956,168, plus strand): 5'-CGATCATTTGTGAGATTTACTGTCAGTTTTGTGGCATTAACTGTGTAATTTTGTAAATGT[G>C]ATTTCCATCTTGTGAGAGTCACTTCATAATCCAAGATTTTTCCATTGGCTTCAAAAGGAG-3'